The following is an entry in ClinVar:

NM_020911.2(PLXNA4):c.4144G>A (p.Asp1382Asn)

Gene: PLXNA4 (plexin A4; minus strand). Cytogenetic location: 7q32.3.
Variant type: single nucleotide variant.
Coding change: c.4144G>A on transcript NM_020911.2 (MANE Select); coding-DNA position 4144, G replaced by A.
Protein change: p.Asp1382Asn; replaces aspartic acid 1382 with asparagine.
Molecular consequence: missense variant.
Genome position (GRCh38, 1-based): chr7:132,168,446, C>T on the plus strand (G>A on the coding strand, the complement: PLXNA4 is on the minus strand). VCF-style: chr7-132168446-C-T. GRCh37 (hg19) VCF-style: chr7-131853205-C-T.
Other names: c.4144G>A, p.Asp1382Asn (NM_001393897.1); short protein forms D1382N.
Identifiers: ClinVar variation 3046111 (VCV003046111.3), dbSNP rs118107843, ClinGen allele CA4489267.
Genomic context (GRCh38, chr7:132,168,446, plus strand): 5'-TGGCGTACTCCAGCTTGCTCTGCAGCACGGTCATGATGAGTGAGGCCACGTTGCCACGGT[C>T]GCGCATGGAGAAGCTACGCTGGGACTCAAGCGTGCGGATGAAGGACAGCAGGAACACCTT-3'
Protein context (NP_065962.1, residues 1372-1392): LESQRSFSMR[Asp1382Asn]RGNVASLIMT

ClinVar aggregate classification (germline): Uncertain significance (1 of 4 stars; one submission).

Conditions:
PLXNA4-related disorder. Also called: PLXNA4-related condition.

Allele frequency attached by ClinVar (database versions not stated): ExAC 0.00002; gnomAD exomes 0.00003; gnomAD 0.00005; 1000 Genomes Project 30x 0.00016; 1000 Genomes Project 0.00020.
gnomAD v4.1: 43 of 1,614,008 alleles (0.0027%); highest among the groups gnomAD compares: East Asian, 0.025%; no homozygotes.

Submission:

PreventionGenetics, part of Exact Sciences
Classification: Uncertain significance for PLXNA4-related condition. Last evaluated: 2025-04-22. Review status: criteria provided, single submitter. Criteria: ACMG Guidelines, 2015. Collection method: clinical testing. Allele origin: germline.
Comment: The PLXNA4 c.4144G>A variant is predicted to result in the amino acid substitution p.Asp1382Asn. To our knowledge, this variant has not been reported in the literature. This variant is reported in 0.0062% of alleles in individuals of African descent in gnomAD. At this time, the clinical significance of this variant is uncertain due to the absence of conclusive functional and genetic evidence.